The following is an entry in ClinVar:

ClinVar aggregate classification (germline): Uncertain significance (1 of 4 stars; one submission).

Conditions:
Cardiovascular phenotype. Identifiers: MedGen CN230736.

Submission:

Ambry Genetics
Classification: Uncertain significance for Cardiovascular phenotype. Last evaluated: 2024-05-02. Review status: criteria provided, single submitter. Criteria: Ambry Variant Classification Scheme 2023. Collection method: clinical testing. Allele origin: germline.
Comment: The p.R404G variant (also known as c.1210C>G), located in coding exon 8 of the ABCG8 gene, results from a C to G substitution at nucleotide position 1210. The arginine at codon 404 is replaced by glycine, an amino acid with dissimilar properties. This amino acid position is conserved. In addition, this alteration is predicted to be tolerated by in silico analysis. Based on the available evidence, the clinical significance of this variant remains unclear.

NM_022437.3(ABCG8):c.1210C>G (p.Arg404Gly)

Gene: ABCG8 (ATP binding cassette subfamily G member 8; plus strand). Cytogenetic location: 2p21.
Variant type: single nucleotide variant.
Coding change: c.1210C>G on transcript NM_022437.3 (MANE Select); coding-DNA position 1210, C replaced by G.
Protein change: p.Arg404Gly; replaces arginine 404 with glycine.
Molecular consequence: missense variant.
Genome position (GRCh38, 1-based): chr2:43,872,305, C>G. VCF-style: chr2-43872305-C-G. GRCh37 (hg19) VCF-style: chr2-44099444-C-G.
Other names: c.1207C>G, p.Arg403Gly (NM_001357321.2); short protein forms R403G, R404G.
Identifiers: ClinVar variation 3313508 (VCV003313508.1).